The following is an entry in ClinVar:

NM_013275.6(ANKRD11):c.88-1G>A

Gene: ANKRD11 (ankyrin repeat domain containing 11; minus strand). Cytogenetic location: 16q24.3.
Variant type: single nucleotide variant.
Coding change: c.88-1G>A on transcript NM_013275.6 (MANE Select); the canonical splice acceptor site of the intron before coding-DNA position 88, G replaced by A.
Molecular consequence: splice acceptor variant.
Genome position (GRCh38, 1-based): chr16:89,305,345, C>T on the plus strand (G>A on the coding strand, the complement: ANKRD11 is on the minus strand). VCF-style: chr16-89305345-C-T. GRCh37 (hg19) VCF-style: chr16-89371753-C-T.
Other names: c.88-1G>A (NM_001256183.2, NM_001256182.2).
Identifiers: ClinVar variation 3355026 (VCV003355026.1).
Genomic context (GRCh38, chr16:89,305,345, plus strand): 5'-CTTCCCGCCATCGCCACGCTCCAGTTTTGGGGTCTTGGTTAGAGAAACTTTATCTTTATC[C>T]TAGAAAAGAAAGGGATGCTTTCAGTCGTGATGTCCAAATTACATTCTCAAGCTCTCAAGA-3'

ClinVar aggregate classification (germline): Uncertain significance (0 of 4 stars; one submission).

Conditions:
ANKRD11-related disorder. Also called: ANKRD11-related condition.

Submission:

PreventionGenetics, part of Exact Sciences
Classification: Uncertain significance for ANKRD11-related condition. Last evaluated: 2024-04-26. Review status: no assertion criteria provided. Collection method: clinical testing. Allele origin: germline.
Comment: The ANKRD11 c.88-1G>A variant is predicted to disrupt the AG splice acceptor site and interfere with normal splicing. To our knowledge, this variant has not been reported in the literature or in a large population database, indicating this variant is rare. Although other splice variants have been reported in the ANKRD11 gene to be pathogenic, all are located downstream of this variant (Human Gene Mutation Database).  At this time, the clinical significance of this variant is uncertain due to the absence of conclusive functional and genetic evidence.